The following is an entry in ClinVar:

NM_020975.6(RET):c.903_905dup (p.Ala301_Asp302insGlu)

Gene: RET (ret proto-oncogene; plus strand). Cytogenetic location: 10q11.21.
Variant type: Duplication.
Coding change: c.903_905dup on transcript NM_020975.6 (MANE Select); coding-DNA positions 903 to 905, 3 bases duplicated (AGA; older notation c.903_905dupAGA).
Protein change: p.Ala301_Asp302insGlu.
Molecular consequence: inframe insertion. On other transcripts: inframe indel (3), intron variant (25).
Genome position (GRCh38, 1-based): chr10:43,106,411-43,106,413, AGA duplicated. VCF-style (leftmost placement, unchanged base first): chr10-43106410-C-CAGA. GRCh37 (hg19) VCF-style: chr10-43601858-C-CAGA.
Other names: c.903_905dup, p.Ala301_Asp302insGlu (NM_000323.2, NM_001406743.1, NM_001406744.1 and 6 more transcripts); c.141_143dup, p.Ala47_Asp48insGlu (NM_001355216.2); c.774_776dup, p.Ala258_Asp259insGlu (NM_001406761.1, NM_001406762.1, NM_001406764.1 and 1 more transcripts); c.615_617dup, p.Ala205_Asp206insGlu (NM_001406766.1, NM_001406767.1, NM_001406770.1); c.867+1218_867+1220dup (NM_001406772.1, NM_001406769.1); c.626-2620_626-2618dup (NM_001406773.1, NM_001406771.1); c.625+3782_625+3784dup (NM_001406782.1, NM_001406780.1, NM_001406779.1 and 3 more transcripts); c.738+1218_738+1220dup (NM_001406774.1); and 6 more.
Identifiers: ClinVar variation 2629812 (VCV002629812.1), dbSNP rs2538402891, ClinGen allele CA2695199465.
Genomic context (GRCh38, chr10:43,106,410, plus strand): 5'-TGACCAACGCCCTCTGCATCCTGCAGGACACCGTGGTGGCCACGCTGCGTGTCTTCGATG[C>CAGA]AGACGTGGTACCTGCATCAGGGGAGCTGGTGAGGCGGTACACAAGCACGCTGCTCCCCGG-3'

ClinVar aggregate classification (germline): Likely pathogenic (1 of 4 stars; one submission).

Conditions:
RET-related disorder. Also called: RET-related condition; RET-related disease; RET-related disorders.

Submission:

PreventionGenetics, part of Exact Sciences
Classification: Likely pathogenic for RET-related condition. Last evaluated: 2023-03-16. Review status: criteria provided, single submitter. Criteria: ACMG Guidelines, 2015. Collection method: clinical testing. Allele origin: germline.
Comment: The RET c.903_905dupAGA variant is predicted to result in an in-frame duplication (p.Ala301_Asp302insGlu). To our knowledge, this variant has not been reported in the literature or in a large population database, indicating this variant is rare. Furthermore, de novo in-frame insertions and missense variants have been reported in patients with Hirschsprung disease phenotypes (see Jiang et al. 2018. PubMed ID: 29261189). Taken together, we interpret this variant as likely pathogenic.